The following is an entry in ClinVar:

NM_001040142.2(SCN2A):c.2871del (p.Met958fs)

Gene: SCN2A (sodium voltage-gated channel alpha subunit 2; plus strand). Cytogenetic location: 2q24.3.
Variant type: Deletion.
Coding change: c.2871del on transcript NM_001040142.2 (MANE Select); coding-DNA position 2871, one base deleted (C; older notation c.2871delC).
Protein change: p.Met958fs; shifts the reading frame from methionine 958.
Molecular consequence: frameshift variant.
Genome position (GRCh38, 1-based): chr2:165,344,863, C deleted; the last of 2 consecutive C bases (chr2:165,344,862-165,344,863); deleting either gives the same sequence. VCF-style (leftmost placement, unchanged base first): chr2-165344861-AC-A. GRCh37 (hg19) VCF-style: chr2-166201371-AC-A.
Other names: c.2871del, p.Met958fs (NM_001040143.2, NM_001371246.1, NM_001371247.1 and 1 more transcripts); short protein forms M958fs.
Identifiers: ClinVar variation 3755572 (VCV003755572.2).

ClinVar aggregate classification (germline): Pathogenic (1 of 4 stars; one submission).

Conditions:
Developmental and epileptic encephalopathy, 11 (DEE11). Also called: Early infantile epileptic encephalopathy 11. Identifiers: Orphanet 1934, MedGen C3150987, MONDO:0013388, OMIM 613721.
Seizures, benign familial infantile, 3 (BFIS3). Also called: CONVULSIONS, BENIGN FAMILIAL INFANTILE, 3; Familial neonatal seizures. Identifiers: Orphanet 140927, Orphanet 306, MedGen C1843140, MONDO:0011904, OMIM 607745.

Submission:

Labcorp Genetics (formerly Invitae), Labcorp
Classification: Pathogenic for Seizures, benign familial infantile, 3; Developmental and epileptic encephalopathy, 11. Last evaluated: 2024-03-29. Review status: criteria provided, single submitter. Criteria: Invitae Variant Classification Sherloc (09022015). Collection method: clinical testing. Allele origin: germline.
Comment: This sequence change creates a premature translational stop signal (p.Met958Cysfs*7) in the SCN2A gene. It is expected to result in an absent or disrupted protein product. Loss-of-function variants in SCN2A are known to be pathogenic (PMID: 28379373). This variant is not present in population databases (gnomAD no frequency). This variant has not been reported in the literature in individuals affected with SCN2A-related conditions. For these reasons, this variant has been classified as Pathogenic.

Literature cited by the submitters: PubMed 28379373.